The following is an entry in ClinVar:

NM_000051.4(ATM):c.2946dup (p.Asp983Ter)

Gene: ATM (ATM serine/threonine kinase; plus strand). Cytogenetic location: 11q22.3.
Variant type: Duplication.
Coding change: c.2946dup on transcript NM_000051.4 (MANE Select); coding-DNA position 2946, one base duplicated (T; older notation c.2946dupT).
Protein change: p.Asp983Ter; replaces aspartic acid 983 with a stop codon.
Molecular consequence: nonsense.
Genome position (GRCh38, 1-based): chr11:108,271,275, T duplicated. VCF-style (leftmost placement, unchanged base first): chr11-108271274-G-GT. GRCh37 (hg19) VCF-style: chr11-108142001-G-GT.
Other names: c.2946dup, p.Asp983Ter (NM_001351834.2); short protein forms D983*.
Identifiers: ClinVar variation 4713174 (VCV004713174.1).

ClinVar aggregate classification (germline): Pathogenic (1 of 4 stars; one submission).

Conditions:
Ataxia-telangiectasia syndrome (AT). Also called: AT, COMPLEMENTATION GROUP C; Ataxia-telangiectasia, complementation group D; Cerebello-oculocutaneous telangiectasia; Immunodeficiency with ataxia telangiectasia; LOUIS-BAR SYNDROME; Ataxia telangiectasia (A-T). Identifiers: Orphanet 100, MedGen C0004135, MONDO:0008840, OMIM 208900.

Submission:

Labcorp Genetics (formerly Invitae), Labcorp
Classification: Pathogenic for Ataxia-telangiectasia syndrome. Last evaluated: 2025-02-16. Review status: criteria provided, single submitter. Criteria: Invitae Variant Classification Sherloc (09022015). Collection method: clinical testing. Allele origin: germline.
Comment: This sequence change creates a premature translational stop signal (p.Asp983*) in the ATM gene. It is expected to result in an absent or disrupted protein product. Loss-of-function variants in ATM are known to be pathogenic (PMID: 23807571, 25614872). This variant is not present in population databases (gnomAD no frequency). This variant has not been reported in the literature in individuals affected with ATM-related conditions. For these reasons, this variant has been classified as Pathogenic.

Literature cited by the submitters: PubMed 23807571; PubMed 25614872.